The following is an entry in ClinVar:

NM_005142.3(CBLIF):c.1051C>G (p.Gln351Glu)

Gene: CBLIF (cobalamin binding intrinsic factor; minus strand). Cytogenetic location: 11q12.1.
Variant type: single nucleotide variant.
Coding change: c.1051C>G on transcript NM_005142.3 (MANE Select); coding-DNA position 1051, C replaced by G.
Protein change: p.Gln351Glu; replaces glutamine 351 with glutamic acid.
Molecular consequence: missense variant.
Genome position (GRCh38, 1-based): chr11:59,835,830, G>C on the plus strand (C>G on the coding strand, the complement: CBLIF is on the minus strand). VCF-style: chr11-59835830-G-C. GRCh37 (hg19) VCF-style: chr11-59603303-G-C.
Other names: c.1051C>G (NM_005142.2); short protein forms Q351E.
Identifiers: ClinVar variation 2085675 (VCV002085675.5), dbSNP rs893748423, ClinGen allele CA223266333.

ClinVar aggregate classification (germline): Uncertain significance. Review status: criteria provided, multiple submitters, no conflicts (2 of 4 stars). 2 submissions from 2 submitters: Uncertain significance (2). Last evaluated 2025-06-22.

Conditions:
Hereditary intrinsic factor deficiency (IFD). Also called: PERNICIOUS ANEMIA, CONGENITAL, DUE TO DEFECT OF INTRINSIC FACTOR; Congenital intrinsic factor deficiency. Identifiers: Orphanet 332, MedGen C2062370, MONDO:0009852, OMIM 261000.

Allele frequency attached by ClinVar (database versions not stated): gnomAD exomes below 0.00001; gnomAD 0.00001; TOPMed 0.00001.
gnomAD v4.1: 2 of 1,613,492 alleles (0.00012%); highest among the groups gnomAD compares: Admixed American, 0.0033%; no homozygotes.

Submissions (2):

Ambry Genetics
Classification: Uncertain significance. Last evaluated: 2025-06-22. Review status: criteria provided, single submitter. Criteria: Ambry Variant Classification Scheme 2023. Collection method: clinical testing. Allele origin: germline.

Labcorp Genetics (formerly Invitae), Labcorp
Classification: Uncertain significance for Hereditary intrinsic factor deficiency. Last evaluated: 2020-11-24. Review status: criteria provided, single submitter. Criteria: Invitae Variant Classification Sherloc (09022015). Collection method: clinical testing. Allele origin: germline.
Comment: This variant is not present in population databases (ExAC no frequency). This sequence change replaces glutamine with glutamic acid at codon 351 of the GIF protein (p.Gln351Glu). The glutamine residue is moderately conserved and there is a small physicochemical difference between glutamine and glutamic acid. This variant has not been reported in the literature in individuals with GIF-related conditions. Algorithms developed to predict the effect of missense changes on protein structure and function output the following: SIFT: "Tolerated"; PolyPhen-2: "Benign"; Align-GVGD: "Class C0". The glutamic acid amino acid residue is found in multiple mammalian species, suggesting that this missense change does not adversely affect protein function. These predictions have not been confirmed by published functional studies and their clinical significance is uncertain. In summary, the available evidence is currently insufficient to determine the role of this variant in disease. Therefore, it has been classified as a Variant of Uncertain Significance.